The following is an entry in ClinVar:

ClinVar aggregate classification (germline): Uncertain significance. Review status: criteria provided, multiple submitters, no conflicts (2 of 4 stars). 2 submissions from 2 submitters: Uncertain significance (2). Last evaluated 2026-04-13.

Conditions:
STK36-related disorder. Also called: STK36-related condition.

gnomAD v4.1: 113 of 1,614,074 alleles (0.007%); highest among the groups gnomAD compares: Non-Finnish European, 0.0087%; no homozygotes.

Submissions (2):

PreventionGenetics, part of Exact Sciences
Classification: Uncertain significance for STK36-related condition. Last evaluated: 2026-04-13. Review status: criteria provided, single submitter. Criteria: ACMG Guidelines, 2015. Collection method: clinical testing. Allele origin: germline.
Comment: The STK36 c.759T>G variant is predicted to result in the amino acid substitution p.Phe253Leu. To our knowledge, this variant has not been reported in the literature. This variant is reported in 0.0062% of alleles in individuals of European (Non-Finnish) descent in gnomAD. At this time, the clinical significance of this variant is uncertain due to the absence of conclusive functional and genetic evidence.

Ambry Genetics
Classification: Uncertain significance. Last evaluated: 2025-03-22. Review status: criteria provided, single submitter. Criteria: Ambry Variant Classification Scheme 2023. Collection method: clinical testing. Allele origin: germline.

NM_015690.5(STK36):c.759T>G (p.Phe253Leu)

Gene: STK36 (serine/threonine kinase 36; plus strand). Cytogenetic location: 2q35.
Variant type: single nucleotide variant.
Coding change: c.759T>G on transcript NM_015690.5 (MANE Select); coding-DNA position 759, T replaced by G.
Protein change: p.Phe253Leu; replaces phenylalanine 253 with leucine.
Molecular consequence: missense variant.
Genome position (GRCh38, 1-based): chr2:218,679,242, T>G. VCF-style: chr2-218679242-T-G. GRCh37 (hg19) VCF-style: chr2-219543965-T-G.
Other names: c.759T>G, p.Phe253Leu (NM_001243313.2, NM_001369423.1); short protein forms F253L.
Identifiers: ClinVar variation 3963409 (VCV003963409.2).